The following is an entry in ClinVar:

NM_019892.6(INPP5E):c.860C>T (p.Ala287Val)

Gene: INPP5E (inositol polyphosphate-5-phosphatase E; minus strand). Cytogenetic location: 9q34.3.
Variant type: single nucleotide variant.
Coding change: c.860C>T on transcript NM_019892.6 (MANE Select); coding-DNA position 860, C replaced by T.
Protein change: p.Ala287Val; replaces alanine 287 with valine.
Molecular consequence: missense variant.
Genome position (GRCh38, 1-based): chr9:136,434,816, G>A on the plus strand (C>T on the coding strand, the complement: INPP5E is on the minus strand). VCF-style: chr9-136434816-G-A. GRCh37 (hg19) VCF-style: chr9-139329268-G-A.
Other names: c.860C>T, p.Ala287Val (NM_001318502.2); short protein forms A287V.
Identifiers: ClinVar variation 1401111 (VCV001401111.9), dbSNP rs752406011, ClinGen allele CA5337050.

ClinVar aggregate classification (germline): Uncertain significance. Review status: criteria provided, multiple submitters, no conflicts (2 of 4 stars). 2 submissions from 2 submitters: Uncertain significance (2). Last evaluated 2024-11-25.

Conditions:
Joubert syndrome. Also called: JOUBERT-BOLTSHAUSER SYNDROME; Familial aplasia of the vermis. Identifiers: Orphanet 475, MedGen C5979921, MONDO:0018772.

Allele frequency attached by ClinVar (database versions not stated): ExAC 0.00001; gnomAD 0.00001; gnomAD exomes 0.00002.
gnomAD v4.1: 20 of 1,609,730 alleles (0.0012%); highest among the groups gnomAD compares: South Asian, 0.0066%; no homozygotes.

Submissions (2):

Blueprint Genetics
Classification: Uncertain significance. Last evaluated: 2024-11-25. Review status: criteria provided, single submitter. Criteria: ACMG Guidelines, 2015. Collection method: clinical testing. Allele origin: germline.

Labcorp Genetics (formerly Invitae), Labcorp
Classification: Uncertain significance for Joubert syndrome. Last evaluated: 2023-11-27. Review status: criteria provided, single submitter. Criteria: Invitae Variant Classification Sherloc (09022015). Collection method: clinical testing. Allele origin: germline.
Comment: This sequence change replaces alanine, which is neutral and non-polar, with valine, which is neutral and non-polar, at codon 287 of the INPP5E protein (p.Ala287Val). This variant is present in population databases (rs752406011, gnomAD 0.01%). This variant has not been reported in the literature in individuals affected with INPP5E-related conditions. ClinVar contains an entry for this variant (Variation ID: 1401111). Advanced modeling of protein sequence and biophysical properties (such as structural, functional, and spatial information, amino acid conservation, physicochemical variation, residue mobility, and thermodynamic stability) has been performed at Invitae for this missense variant, however the output from this modeling did not meet the statistical confidence thresholds required to predict the impact of this variant on INPP5E protein function. In summary, the available evidence is currently insufficient to determine the role of this variant in disease. Therefore, it has been classified as a Variant of Uncertain Significance.